The following is an entry in ClinVar:

NM_000046.5(ARSB):c.1048A>G (p.Ile350Val)

Gene: ARSB (arylsulfatase B; minus strand). Cytogenetic location: 5q14.1.
Variant type: single nucleotide variant.
Coding change: c.1048A>G on transcript NM_000046.5 (MANE Select); coding-DNA position 1048, A replaced by G.
Protein change: p.Ile350Val; replaces isoleucine 350 with valine.
Molecular consequence: missense variant.
Genome position (GRCh38, 1-based): chr5:78,885,678, T>C on the plus strand (A>G on the coding strand, the complement: ARSB is on the minus strand). VCF-style: chr5-78885678-T-C. GRCh37 (hg19) VCF-style: chr5-78181501-T-C.
Other names: p.Ile350Val; c.1048A>G, p.Ile350Val (NM_198709.3); short protein forms I350V.
Identifiers: ClinVar variation 527326 (VCV000527326.13), dbSNP rs79970603, ClinGen allele CA3318129.

ClinVar aggregate classification (germline): Benign/Likely benign. Review status: criteria provided, multiple submitters, no conflicts (2 of 4 stars). 3 submissions from 3 submitters: Benign (1); Likely benign (1). 1 of the submissions does not count toward it. Last evaluated 2025-12-27.

Conditions:
Mucopolysaccharidosis type 6 (MPS6). Also called: ARSB DEFICIENCY; ARYLSULFATASE B DEFICIENCY; N-ACETYLGALACTOSAMINE-4-SULFATASE DEFICIENCY; MPS VI; MPS 6; Maroteaux Lamy syndrome. Identifiers: Orphanet 583, MedGen C0026709, MONDO:0009661, OMIM 253200.
ARSB-related disorder. Also called: ARSB-related condition.

Allele frequency attached by ClinVar (database versions not stated): gnomAD exomes 0.00009 and 0.00021; ExAC 0.00023; ESP Exome Variant Server 0.00062; gnomAD 0.00076 and 0.00082; TOPMed 0.00090; 1000 Genomes Project 30x 0.00094; 1000 Genomes Project 0.00100.
gnomAD v4.1: 268 of 1,614,076 alleles (0.017%); highest among the groups gnomAD compares: African/African-American, 0.27%; no homozygotes.

Submissions (3):

Labcorp Genetics (formerly Invitae), Labcorp
Classification: Benign for Mucopolysaccharidosis type 6. Last evaluated: 2025-12-27. Review status: criteria provided, single submitter. Criteria: Invitae Variant Classification Sherloc (09022015). Collection method: clinical testing. Allele origin: germline.

Mayo Clinic Laboratories, Mayo Clinic
Classification: Likely benign. Last evaluated: 2024-11-18. Review status: criteria provided, single submitter. Criteria: ACMG Guidelines, 2015. Collection method: clinical testing. Allele origin: germline. Observed: 2 variant alleles.
Comment: BS1

PreventionGenetics, part of Exact Sciences
Classification: Likely benign for ARSB-related condition. Last evaluated: 2023-12-07. Review status: no assertion criteria provided. Collection method: clinical testing. Allele origin: germline. Not counted in ClinVar's aggregate classification.
Comment: This variant is classified as likely benign based on ACMG/AMP sequence variant interpretation guidelines (Richards et al. 2015 PMID: 25741868, with internal and published modifications).